The following is an entry in ClinVar:

ClinVar aggregate classification (germline): Uncertain significance (1 of 4 stars; one submission).

Allele frequency attached by ClinVar (database versions not stated): gnomAD 0.00005 and 0.00010; TOPMed 0.00005; ESP Exome Variant Server 0.00008; gnomAD exomes 0.00013 and 0.00025; 1000 Genomes Project 30x 0.00016; 1000 Genomes Project 0.00020; ExAC 0.00030.
gnomAD v4.1: 216 of 1,613,218 alleles (0.013%); highest among the groups gnomAD compares: South Asian, 0.12%; no homozygotes.

Submission:

Labcorp Genetics (formerly Invitae), Labcorp
Classification: Uncertain significance. Last evaluated: 2024-10-08. Review status: criteria provided, single submitter. Criteria: Invitae Variant Classification Sherloc (09022015). Collection method: clinical testing. Allele origin: germline.
Comment: This sequence change falls in intron 36 of the MPDZ gene. It does not directly change the encoded amino acid sequence of the MPDZ protein. It affects a nucleotide within the consensus splice site. This variant is present in population databases (rs370969064, gnomAD 0.1%). This variant has not been reported in the literature in individuals affected with MPDZ-related conditions. ClinVar contains an entry for this variant (Variation ID: 1363007). Variants that disrupt the consensus splice site are a relatively common cause of aberrant splicing (PMID: 17576681, 9536098). Algorithms developed to predict the effect of sequence changes on RNA splicing suggest that this variant is not likely to affect RNA splicing. In summary, the available evidence is currently insufficient to determine the role of this variant in disease. Therefore, it has been classified as a Variant of Uncertain Significance.

Literature cited by the submitters: PubMed 17576681; PubMed 9536098.

NM_001378778.1(MPDZ):c.4954-3T>C

Gene: MPDZ (multiple PDZ domain crumbs cell polarity complex component; minus strand). Cytogenetic location: 9p23.
Variant type: single nucleotide variant.
Coding change: c.4954-3T>C on transcript NM_001378778.1 (MANE Select); 3 bases into the intron before coding-DNA position 4954, T replaced by C.
Molecular consequence: intron variant.
Genome position (GRCh38, 1-based): chr9:13,122,173, A>G on the plus strand (T>C on the coding strand, the complement: MPDZ is on the minus strand). VCF-style: chr9-13122173-A-G. GRCh37 (hg19) VCF-style: chr9-13122172-A-G.
Other names: c.4744-3T>C (NM_001375425.1, NM_001375420.1, NM_001375423.1 and 4 more transcripts); c.4855-3T>C (NM_001375419.1, NM_001375416.1, NM_001375418.1 and 3 more transcripts); c.4954-3T>C (NM_001330637.2, NM_003829.5); c.4546-3T>C (NM_001375427.1); c.5053-3T>C (NM_001375413.1).
Identifiers: ClinVar variation 1363007 (VCV001363007.6), dbSNP rs370969064, ClinGen allele CA4986496.